The following is an entry in ClinVar:

NM_000219.6(KCNE1):c.169T>C (p.Phe57Leu)

Gene: KCNE1 (potassium voltage-gated channel subfamily E regulatory subunit 1; minus strand). Cytogenetic location: 21q22.12.
Variant type: single nucleotide variant.
Coding change: c.169T>C on transcript NM_000219.6 (MANE Select); coding-DNA position 169, T replaced by C.
Protein change: p.Phe57Leu; replaces phenylalanine 57 with leucine.
Molecular consequence: missense variant.
Genome position (GRCh38, 1-based): chr21:34,449,466, A>G on the plus strand (T>C on the coding strand, the complement: KCNE1 is on the minus strand). VCF-style: chr21-34449466-A-G. GRCh37 (hg19) VCF-style: chr21-35821764-A-G.
Other names: c.169T>C, p.Phe57Leu (NM_001127668.4, NM_001127669.4, NM_001127670.4 and 4 more transcripts); short protein forms F57L.
Identifiers: ClinVar variation 3374231 (VCV003374231.2).

Conditions:
Long QT syndrome 5 (LQT5). Identifiers: Orphanet 101016, Orphanet 768, MedGen C1867904, MONDO:0013372, OMIM 613695.

Submission:

Roden Lab, Vanderbilt University Medical Center
No classification provided (evidence only). Condition: Long QT syndrome 5. Review status: no classification provided. Collection method: in vitro. Allele origin: not applicable. Functional consequence: Effect on ion channel function.
ClinVar note: "not provided" was previously submitted as the classification for the variant. However, the classification appeared to be based only on an observation of functional data so it was converted to no classification on 2025-07-30.